The following is an entry in ClinVar:

NM_024577.4(SH3TC2):c.*13230C>T

Gene: SH3TC2 (SH3 domain and tetratricopeptide repeats 2; minus strand). Cytogenetic location: 5q32.
Variant type: single nucleotide variant.
Coding change: c.*13230C>T on transcript NM_024577.4 (MANE Select); 13230 bases downstream of the stop codon, C replaced by T.
Molecular consequence: 3 prime UTR variant.
Genome position (GRCh38, 1-based): chr5:148,991,481, G>A on the plus strand (C>T on the coding strand, the complement: SH3TC2 is on the minus strand). VCF-style: chr5-148991481-G-A. GRCh37 (hg19) VCF-style: chr5-148371044-G-A.
Identifiers: ClinVar variation 351673 (VCV000351673.5), dbSNP rs138600983, ClinGen allele CA10623215.

ClinVar aggregate classification (germline): Benign/Likely benign. Review status: criteria provided, single submitter (1 of 4 stars). 2 submissions from 1 submitter: Benign (1); Likely benign (1). Last evaluated 2018-01-13.

Conditions:
Susceptibility to mononeuropathy of the median nerve, mild. Also called: CARPAL TUNNEL SYNDROME, SUSCEPTIBILITY TO. Identifiers: MedGen C3150596, MONDO:0013237, OMIM 613353.
Charcot-Marie-Tooth disease type 4C (CMT4C). Also called: CHARCOT-MARIE-TOOTH DISEASE, DEMYELINATING, AUTOSOMAL RECESSIVE, TYPE 4C; CMT 4C; Charcot-Marie-Tooth Neuropathy Type 4C (CMT4C); CHARCOT-MARIE-TOOTH DISEASE, DEMYELINATING, TYPE 4C; SH3TC2-Related Hereditary Motor and Sensory Neuropathy. Identifiers: Orphanet 99949, MedGen C1866636, MONDO:0011113, OMIM 601596.

Allele frequency attached by ClinVar (database versions not stated): gnomAD 0.00287 and 0.00313; TOPMed 0.00301; 1000 Genomes Project 0.00399; 1000 Genomes Project 30x 0.00453.
gnomAD v4.1: 435 of 152,278 alleles (0.29%); highest among the groups gnomAD compares: African/African-American, 1%; 2 homozygotes.

Submissions (2):

Illumina Laboratory Services, Illumina
Classification: Likely benign for Charcot-Marie-Tooth disease type 4C. Last evaluated: 2018-01-13. Review status: criteria provided, single submitter. Criteria: ICSL Variant Classification Criteria 13 December 2019. Collection method: clinical testing. Allele origin: germline.
Comment: This variant was observed in the ICSL laboratory as part of a predisposition screen in an ostensibly healthy population. It had not been previously curated by ICSL or reported in the Human Gene Mutation Database (HGMD: prior to June 1st, 2018), and was therefore a candidate for classification through an automated scoring system. Utilizing variant allele frequency, disease prevalence and penetrance estimates, and inheritance mode, an automated score was calculated to assess if this variant is too frequent to cause the disease. Based on the score and internal cut-off values, a variant classified as likely benign is not then subjected to further curation. The score for this variant resulted in a classification of likely benign for this disease.

Illumina Laboratory Services, Illumina
Classification: Benign for Susceptibility to mononeuropathy of the median nerve, mild. Last evaluated: 2018-01-13. Review status: criteria provided, single submitter. Criteria: ICSL Variant Classification Criteria 13 December 2019. Collection method: clinical testing. Allele origin: germline.
Comment: This variant was observed in the ICSL laboratory as part of a predisposition screen in an ostensibly healthy population. It had not been previously curated by ICSL or reported in the Human Gene Mutation Database (HGMD: prior to June 1st, 2018), and was therefore a candidate for classification through an automated scoring system. Utilizing variant allele frequency, disease prevalence and penetrance estimates, and inheritance mode, an automated score was calculated to assess if this variant is too frequent to cause the disease. Based on the score and internal cut-off values, a variant classified as benign is not then subjected to further curation. The score for this variant resulted in a classification of benign for this disease.